The following is an entry in ClinVar:

ClinVar aggregate classification (germline): Benign (1 of 4 stars; one submission).

Conditions:
PADI6-related disorder. Also called: PADI6-related condition.

gnomAD v4.1: 4,384 of 1,613,720 alleles (0.27%); highest among the groups gnomAD compares: African/African-American, 4.9%; 112 homozygotes.

Submission:

PreventionGenetics, part of Exact Sciences
Classification: Benign for PADI6-related condition. Last evaluated: 2025-07-09. Review status: criteria provided, single submitter. Criteria: ACMG Guidelines, 2015. Collection method: clinical testing. Allele origin: germline.
Comment: This variant is classified as benign based on ACMG/AMP sequence variant interpretation guidelines (Richards et al. 2015 PMID: 25741868, with internal and published modifications).

NM_207421.4(PADI6):c.747C>T (p.Leu249=)

Gene: PADI6 (peptidyl arginine deiminase 6; plus strand). Cytogenetic location: 1p36.13.
Variant type: single nucleotide variant.
Coding change: c.747C>T on transcript NM_207421.4 (MANE Select); coding-DNA position 747, C replaced by T.
Protein change: p.Leu249=; no amino-acid change (leucine 249 retained).
Molecular consequence: synonymous variant.
Genome position (GRCh38, 1-based): chr1:17,388,448, C>T. VCF-style: chr1-17388448-C-T. GRCh37 (hg19) VCF-style: chr1-17714943-C-T.
Identifiers: ClinVar variation 4989079 (VCV004989079.1).